The following is an entry in ClinVar:

ClinVar aggregate classification (germline): Benign/Likely benign. Review status: criteria provided, multiple submitters, no conflicts (2 of 4 stars). 3 submissions from 3 submitters: Benign (1); Likely benign (2). Last evaluated 2026-01-28.

Conditions:
Hereditary cancer-predisposing syndrome. Also called: Tumor predisposition; Hereditary Cancer Syndrome; Hereditary neoplastic syndrome; Neoplastic Syndromes, Hereditary. Identifiers: Orphanet 140162, MedGen C0027672, MeSH D009386, MONDO:0015356.
POLD1-related polyposis and colorectal cancer syndrome (CRCS10). Also called: Colorectal cancer 10; COLORECTAL CANCER, SUSCEPTIBILITY TO, ON CHROMOSOME 19q; Colorectal cancer, susceptibility to, 10. Identifiers: Orphanet 220460, MedGen C2675481, MONDO:0012953, OMIM 612591.

Allele frequency attached by ClinVar (database versions not stated): TOPMed below 0.00001; gnomAD 0.00001; gnomAD exomes 0.00001 and 0.00002; ExAC 0.00004; 1000 Genomes Project 30x 0.00031; 1000 Genomes Project 0.00040.
gnomAD v4.1: 13 of 1,614,046 alleles (0.00081%); highest among the groups gnomAD compares: South Asian, 0.0077%; no homozygotes.

Submissions (3):

Labcorp Genetics (formerly Invitae), Labcorp
Classification: Likely benign for POLD1-related polyposis and colorectal cancer syndrome. Last evaluated: 2026-01-28. Review status: criteria provided, single submitter. Criteria: Invitae Variant Classification Sherloc (09022015). Collection method: clinical testing. Allele origin: germline.

Myriad Genetics, Inc.
Classification: Benign for POLD1-related polyposis and colorectal cancer syndrome. Last evaluated: 2025-02-05. Review status: criteria provided, single submitter. Criteria: Myriad Autosomal Dominant, Autosomal Recessive and X-Linked Classification Criteria (2023). Collection method: clinical testing. Allele origin: unknown.
Comment: This variant is considered benign. This variant is a silent/synonymous amino acid change and it is not expected to impact splicing.

Ambry Genetics
Classification: Likely benign for Hereditary cancer-predisposing syndrome. Last evaluated: 2016-08-29. Review status: criteria provided, single submitter. Criteria: Ambry Variant Classification Scheme 2023. Collection method: clinical testing. Allele origin: germline.

NM_002691.4(POLD1):c.1200C>T (p.Asn400=)

Gene: POLD1 (DNA polymerase delta 1, catalytic subunit; plus strand). Cytogenetic location: 19q13.33.
Variant type: single nucleotide variant.
Coding change: c.1200C>T on transcript NM_002691.4 (MANE Select); coding-DNA position 1200, C replaced by T.
Protein change: p.Asn400=; no amino-acid change (asparagine 400 retained).
Molecular consequence: synonymous variant. On other transcripts: non-coding transcript variant (1).
Genome position (GRCh38, 1-based): chr19:50,403,555, C>T. VCF-style: chr19-50403555-C-T. GRCh37 (hg19) VCF-style: chr19-50906812-C-T.
Other names: c.1200C>T, p.Asn400= (NM_001256849.1, NM_001308632.1).
Identifiers: ClinVar variation 484351 (VCV000484351.15), dbSNP rs541753103, ClinGen allele CA9596061.
Genomic context (GRCh38, chr19:50,403,555, plus strand): 5'-CTGGTCCACCTTCATCCGTATCATGGACCCCGACGTGATCACCGGTTACAACATCCAGAA[C>T]TTCGACCTTCCGTACCTCATCTCTCGGGCCCAGACCCTCAAGGTGAGGGCTGGGCAGGTG-3'
Protein context (NP_002682.2, residues 390-410): PDVITGYNIQ[Asn400=]FDLPYLISRA